The following is an entry in ClinVar:

NM_000321.3(RB1):c.1146C>T (p.Ile382=)

Gene: RB1 (RB transcriptional corepressor 1; plus strand). Cytogenetic location: 13q14.2.
Variant type: single nucleotide variant.
Coding change: c.1146C>T on transcript NM_000321.3 (MANE Select); coding-DNA position 1146, C replaced by T.
Protein change: p.Ile382=; no amino-acid change (isoleucine 382 retained).
Molecular consequence: synonymous variant.
Genome position (GRCh38, 1-based): chr13:48,373,423, C>T. VCF-style: chr13-48373423-C-T. GRCh37 (hg19) VCF-style: chr13-48947559-C-T.
Other names: c.1146C>T, p.Ile382= (NM_001407165.1, NM_001407166.1).
Identifiers: ClinVar variation 4875934 (VCV004875934.1).
Genomic context (GRCh38, chr13:48,373,423, plus strand): 5'-CCTTCATTGCTTAACACATTTTCCTATTTTTATCCCCTCTAGGACTGTTATGAACACTAT[C>T]CAACAATTAATGATGATTTTAAATTCAGCAAGTGATCAACCTTCAGAAAATCTGATTTCC-3'
Protein context (NP_000312.2, residues 372-392): HTPVRTVMNT[Ile382=]QQLMMILNSA

ClinVar aggregate classification (germline): Benign (1 of 4 stars; one submission).

Conditions:
Retinoblastoma (RB1). Also called: RETINOBLASTOMA, SOMATIC. Identifiers: Orphanet 790, MedGen C0035335, MeSH D012175, MONDO:0008380, OMIM 180200, HP:0009919. Disease mechanism: loss of function. Inheritance: Both sporadic and heritable forms are tested..

gnomAD v4.1: 2 of 1,595,326 alleles (0.00013%); highest among the groups gnomAD compares: Non-Finnish European, 0.00017%; no homozygotes.

Submission:

Myriad Genetics, Inc.
Classification: Benign for Retinoblastoma. Last evaluated: 2026-06-24. Review status: criteria provided, single submitter. Criteria: Myriad Autosomal Dominant, Autosomal Recessive and X-Linked Classification Criteria (2023). Collection method: clinical testing. Allele origin: unknown.
Comment: This variant is considered benign. This variant is a silent/synonymous amino acid change and it is not expected to impact splicing.